The following is an entry in ClinVar:

ClinVar aggregate classification (germline): Uncertain significance (1 of 4 stars; one submission).

Submission:

Labcorp Genetics (formerly Invitae), Labcorp
Classification: Uncertain significance. Last evaluated: 2024-01-29. Review status: criteria provided, single submitter. Criteria: Invitae Variant Classification Sherloc (09022015). Collection method: clinical testing. Allele origin: germline.
Comment: This sequence change replaces glutamic acid, which is acidic and polar, with lysine, which is basic and polar, at codon 1739 of the DNAH9 protein (p.Glu1739Lys). This variant is not present in population databases (gnomAD no frequency). This variant has not been reported in the literature in individuals affected with DNAH9-related conditions. Advanced modeling of protein sequence and biophysical properties (such as structural, functional, and spatial information, amino acid conservation, physicochemical variation, residue mobility, and thermodynamic stability) has been performed at Invitae for this missense variant, however the output from this modeling did not meet the statistical confidence thresholds required to predict the impact of this variant on DNAH9 protein function. In summary, the available evidence is currently insufficient to determine the role of this variant in disease. Therefore, it has been classified as a Variant of Uncertain Significance.

NM_001372.4(DNAH9):c.5215G>A (p.Glu1739Lys)

Gene: DNAH9 (dynein axonemal heavy chain 9; plus strand). Cytogenetic location: 17p12.
Variant type: single nucleotide variant.
Coding change: c.5215G>A on transcript NM_001372.4 (MANE Select); coding-DNA position 5215, G replaced by A.
Protein change: p.Glu1739Lys; replaces glutamic acid 1739 with lysine.
Molecular consequence: missense variant.
Genome position (GRCh38, 1-based): chr17:11,704,266, G>A. VCF-style: chr17-11704266-G-A. GRCh37 (hg19) VCF-style: chr17-11607583-G-A.
Other names: short protein forms E1739K.
Identifiers: ClinVar variation 2785009 (VCV002785009.3), dbSNP rs777806746, ClinGen allele CA398184571.